The following is an entry in ClinVar:

ClinVar aggregate classification (germline): Uncertain significance. Review status: criteria provided, single submitter (1 of 4 stars). 2 submissions from 2 submitters: Uncertain significance (1). 1 of the submissions does not count toward it. Last evaluated 2024-05-22.

Conditions:
Apparent mineralocorticoid excess (AME). Also called: CORTISOL 11-BETA-KETOREDUCTASE DEFICIENCY. Identifiers: Orphanet 320, MedGen C0342488, MONDO:0009025, OMIM 218030.

Submissions (2):

Labcorp Genetics (formerly Invitae), Labcorp
Classification: Uncertain significance. Last evaluated: 2024-05-22. Review status: criteria provided, single submitter. Criteria: Invitae Variant Classification Sherloc (09022015). Collection method: clinical testing. Allele origin: germline.
Comment: This variant, c.895_897del, results in the deletion of 1 amino acid(s) of the HSD11B2 protein (p.Tyr299del), but otherwise preserves the integrity of the reading frame. This variant is present in population databases (rs794726670, gnomAD 0.003%). This variant has been observed in individual(s) with apparent mineralocorticoid excess syndrome (PMID: 15126515). ClinVar contains an entry for this variant (Variation ID: 12102). Algorithms developed to predict the effect of variants on gene product structure and function are not available or were not evaluated for this variant. Experimental studies have shown that this variant affects HSD11B2 function (PMID: 15126515). In summary, the available evidence is currently insufficient to determine the role of this variant in disease. Therefore, it has been classified as a Variant of Uncertain Significance.

OMIM
Classification: Pathogenic for APPARENT MINERALOCORTICOID EXCESS. Last evaluated: 2004-05-01. Review status: no assertion criteria provided. Collection method: literature only. Allele origin: germline. Not counted in ClinVar's aggregate classification.

Literature cited by the submitters: PubMed 15126515 (cited by Labcorp Genetics (formerly Invitae), Labcorp and OMIM).

NM_000196.4(HSD11B2):c.895_897del (p.Tyr299del)

Gene: HSD11B2 (hydroxysteroid 11-beta dehydrogenase 2; plus strand). Cytogenetic location: 16q22.1.
Variant type: Deletion.
Coding change: c.895_897del on transcript NM_000196.4 (MANE Select); coding-DNA positions 895 to 897, 3 bases deleted (TAC; older notation c.895_897delTAC).
Protein change: p.Tyr299del; deletes tyrosine 299.
Molecular consequence: inframe deletion.
Genome position (GRCh38, 1-based): chr16:67,436,680-67,436,682, TAC deleted; deleting any 3 consecutive bases within chr16:67,436,678-67,436,682 gives the same sequence; the c. name uses the placement nearest the transcript's 3' end. VCF-style (leftmost placement, unchanged base first): chr16-67436677-GACT-G. GRCh37 (hg19) VCF-style: chr16-67470580-GACT-G.
Other names: short protein forms Y299del.
Identifiers: ClinVar variation 12102 (VCV000012102.4), dbSNP rs794726670, ClinGen allele CA212941.
Genomic context (GRCh38, chr16:67,436,677, plus strand): 5'-AAGCGCAAGCAATTGCTGCTGGCCAACCTGCCTCAAGAGCTGCTGCAGGCCTACGGCAAG[GACT>G]ACATCGAGCACTTGCATGGGCAGTTCCTGCACTCGCTACGCCTGGCCATGTCCGACCTCA-3'